The following is an entry in ClinVar:

NM_007194.4(CHEK2):c.1349_1350del (p.Glu450fs)

Gene: CHEK2 (checkpoint kinase 2; minus strand). Cytogenetic location: 22q12.1.
Variant type: Deletion.
Coding change: c.1349_1350del on transcript NM_007194.4 (MANE Select); coding-DNA positions 1349 to 1350, 2 bases deleted (AA; older notation c.1349_1350delAA).
Protein change: p.Glu450fs; shifts the reading frame from glutamic acid 450.
Molecular consequence: frameshift variant.
Genome position (GRCh38, 1-based): chr22:28,695,152-28,695,153, TT deleted on the plus strand (AA on the coding strand, the reverse complement: CHEK2 is on the minus strand). VCF-style (leftmost placement, unchanged base first): chr22-28695151-CTT-C. GRCh37 (hg19) VCF-style: chr22-29091139-CTT-C.
Other names: c.1478_1479delAA, p.Glu493Glyfs (NM_001005735.3); c.686_687delAA, p.Glu229Glyfs (NM_001257387.3); c.1148_1149delAA, p.Glu383Glyfs (NM_001349956.3); c.1262_1263delAA, p.Glu421Glyfs (NM_145862.3); short protein forms E229fs, E493fs, E421fs, E383fs, E450fs.
Identifiers: ClinVar variation 817276 (VCV000817276.4), dbSNP rs1601719250, ClinGen allele CA915952841.

ClinVar aggregate classification (germline): Pathogenic/Likely pathogenic. Review status: criteria provided, multiple submitters, no conflicts (2 of 4 stars). 2 submissions from 2 submitters: Pathogenic (1); Likely pathogenic (1). Last evaluated 2019-05-14.

Conditions:
Hereditary cancer-predisposing syndrome. Also called: Tumor predisposition; Hereditary neoplastic syndrome; Neoplastic Syndromes, Hereditary; Hereditary Cancer Syndrome. Identifiers: Orphanet 140162, MedGen C0027672, MeSH D009386, MONDO:0015356.

Submissions (2):

Ambry Genetics
Classification: Pathogenic for Hereditary cancer-predisposing syndrome. Last evaluated: 2019-05-14. Review status: criteria provided, single submitter. Criteria: Ambry Variant Classification Scheme 2023. Collection method: clinical testing. Allele origin: germline.
Comment: The c.1349_1350delAA pathogenic mutation, located in coding exon 11 of the CHEK2 gene, results from a deletion of two nucleotides at nucleotide positions 1349 to 1350, causing a translational frameshift with a predicted alternate stop codon (p.E450Gfs*39). This alteration is expected to result in loss of function by premature protein truncation or nonsense-mediated mRNA decay. As such, this alteration is interpreted as a disease-causing mutation.

GeneDx
Classification: Likely pathogenic. Last evaluated: 2018-10-05. Review status: criteria provided, single submitter. Criteria: GeneDx Variant Classification (06012015). Collection method: clinical testing. Allele origin: germline. Affected: yes.
Comment: The c.1349_1350delAA variant in the CHEK2 gene has not been reported previously as a pathogenic variant nor as a benign variant, to our knowledge. The c.1349_1350delAA variant causes a frameshift starting with codon Glutamic Acid 450, changes this amino acid to a Glycine residue, and creates a premature Stop codon at position 39 of the new reading frame, denoted p.Glu450GlyfsX39. This variant is predicted to cause loss of normal protein function either through protein truncation or nonsense-mediated mRNA decay. The c.1349_1350delAA variant is not observed in large population cohorts (Lek et al., 2016). We interpret c.1349_1350delAA as a likely pathogenic variant.